The following is an entry in ClinVar:

NM_001394807.1(ADPRHL1):c.5121G>A (p.Gly1707=)

Gene: ADPRHL1 (ADP-ribosylhydrolase like 1; minus strand). Cytogenetic location: 13q34.
Variant type: single nucleotide variant.
Coding change: c.5121G>A on transcript NM_001394807.1 (MANE Select); coding-DNA position 5121, G replaced by A.
Protein change: p.Gly1707=; no amino-acid change (glycine 1707 retained).
Molecular consequence: synonymous variant.
Genome position (GRCh38, 1-based): chr13:113,404,161, C>T on the plus strand (G>A on the coding strand, the complement: ADPRHL1 is on the minus strand). VCF-style: chr13-113404161-C-T. GRCh37 (hg19) VCF-style: chr13-114058476-C-T.
Other names: c.4029G>A, p.Gly1343= (NM_001304433.1, NM_001375393.1).
Identifiers: ClinVar variation 4821691 (VCV004821691.4).

ClinVar aggregate classification (germline): Likely benign (1 of 4 stars; one submission).

Submission:

CeGaT Center for Human Genetics Tuebingen
Classification: Likely benign. Last evaluated: 2026-08-01. Review status: criteria provided, single submitter. Criteria: CeGaT Center For Human Genetics Tuebingen Variant Classification Criteria Version 2. Collection method: clinical testing. Allele origin: germline. Affected: yes. Observed: 5 variant alleles.
Comment: ADPRHL1: PM2:Supporting, BP4, BP7